The following is an entry in ClinVar:

ClinVar aggregate classification (germline): Pathogenic (1 of 4 stars; one submission).

Conditions:
Duchenne muscular dystrophy (DMD). Also called: MUSCULAR DYSTROPHY, PSEUDOHYPERTROPHIC PROGRESSIVE, DUCHENNE TYPE; Duchenne Muscular Dystrophy (DMD). Identifiers: Orphanet 98896, MedGen C0013264, MONDO:0010679, OMIM 310200.

Submission:

Labcorp Genetics (formerly Invitae), Labcorp
Classification: Pathogenic for Duchenne muscular dystrophy. Last evaluated: 2021-09-03. Review status: criteria provided, single submitter. Criteria: Invitae Variant Classification Sherloc (09022015). Collection method: clinical testing. Allele origin: germline.
Comment: This sequence change creates a premature translational stop signal (p.Tyr1247*) in the DMD gene. It is expected to result in an absent or disrupted protein product. Loss-of-function variants in DMD are known to be pathogenic (PMID: 16770791, 25007885). This variant is not present in population databases (ExAC no frequency). This variant has not been reported in the literature in individuals affected with DMD-related conditions. For these reasons, this variant has been classified as Pathogenic.

Literature cited by the submitters: PubMed 16770791; PubMed 25007885.

NM_004006.3(DMD):c.3741C>A (p.Tyr1247Ter)

Gene: DMD (dystrophin; minus strand). Cytogenetic location: Xp21.1.
Variant type: single nucleotide variant.
Coding change: c.3741C>A on transcript NM_004006.3 (MANE Select); coding-DNA position 3741, C replaced by A.
Protein change: p.Tyr1247Ter; replaces tyrosine 1247 with a stop codon.
Molecular consequence: nonsense.
Genome position (GRCh38, 1-based): chrX:32,448,501, G>T on the plus strand (C>A on the coding strand, the complement: DMD is on the minus strand). VCF-style: chrX-32448501-G-T. GRCh37 (hg19) VCF-style: chrX-32466618-G-T.
Other names: c.3717C>A, p.Tyr1239Ter (NM_000109.4); c.3729C>A, p.Tyr1243Ter (NM_004009.3); c.3372C>A, p.Tyr1124Ter (NM_004010.3); short protein forms Y1124*, Y1239*, Y1247*, Y1243*.
Identifiers: ClinVar variation 1968475 (VCV001968475.5), dbSNP rs2148287624, ClinGen allele CA412661812.